The following is an entry in ClinVar:

ClinVar aggregate classification (germline): Uncertain significance. Review status: criteria provided, multiple submitters, no conflicts (2 of 4 stars). 2 submissions from 2 submitters: Uncertain significance (2). Last evaluated 2025-06-02.

Conditions:
Baller-Gerold syndrome (BGS). Also called: CRANIOSYNOSTOSIS WITH RADIAL DEFECTS. Identifiers: Orphanet 1225, MedGen C0265308, MONDO:0009039, OMIM 218600.
Inborn genetic diseases. Identifiers: MedGen C0950123, MeSH D030342.

Submissions (2):

Labcorp Genetics (formerly Invitae), Labcorp
Classification: Uncertain significance for Baller-Gerold syndrome. Last evaluated: 2025-06-02. Review status: criteria provided, single submitter. Criteria: Invitae Variant Classification Sherloc (09022015). Collection method: clinical testing. Allele origin: germline.
Comment: This sequence change replaces alanine, which is neutral and non-polar, with glycine, which is neutral and non-polar, at codon 85 of the RECQL4 protein (p.Ala85Gly). This variant is present in population databases (rs756838362, gnomAD 0.003%). This variant has not been reported in the literature in individuals affected with RECQL4-related conditions. ClinVar contains an entry for this variant (Variation ID: 1021210). Invitae Evidence Modeling of protein sequence and biophysical properties (such as structural, functional, and spatial information, amino acid conservation, physicochemical variation, residue mobility, and thermodynamic stability) indicates that this missense variant is not expected to disrupt RECQL4 protein function with a negative predictive value of 80%. In summary, the available evidence is currently insufficient to determine the role of this variant in disease. Therefore, it has been classified as a Variant of Uncertain Significance.

Ambry Genetics
Classification: Uncertain significance for Inborn genetic diseases. Last evaluated: 2025-01-27. Review status: criteria provided, single submitter. Criteria: Ambry Variant Classification Scheme 2023. Collection method: clinical testing. Allele origin: germline.
Comment: The p.A85G variant (also known as c.254C>G), located in coding exon 4 of the RECQL4 gene, results from a C to G substitution at nucleotide position 254. The alanine at codon 85 is replaced by glycine, an amino acid with similar properties. This amino acid position is conserved. In addition, this alteration is predicted to be tolerated by in silico analysis. Based on the available evidence, the clinical significance of this variant remains unclear.

NM_004260.4(RECQL4):c.254C>G (p.Ala85Gly)

Gene: RECQL4 (RecQ like helicase 4; minus strand). Cytogenetic location: 8q24.3.
Variant type: single nucleotide variant.
Coding change: c.254C>G on transcript NM_004260.4 (MANE Select); coding-DNA position 254, C replaced by G.
Protein change: p.Ala85Gly; replaces alanine 85 with glycine.
Molecular consequence: missense variant.
Genome position (GRCh38, 1-based): chr8:144,517,150, G>C on the plus strand (C>G on the coding strand, the complement: RECQL4 is on the minus strand). VCF-style: chr8-144517150-G-C. GRCh37 (hg19) VCF-style: chr8-145742534-G-C.
Other names: c.254C>G (NM_004260.3); short protein forms A85G.
Identifiers: ClinVar variation 1021210 (VCV001021210.6), dbSNP rs756838362, ClinGen allele CA4949407.